The following is an entry in ClinVar:

ClinVar aggregate classification (germline): Conflicting classifications of pathogenicity. Review status: criteria provided, conflicting classifications (1 of 4 stars). 3 submissions from 3 submitters: Uncertain significance (1); Likely benign (2). Last evaluated 2026-07-01.

Conditions:
Inborn genetic diseases. Identifiers: MedGen C0950123, MeSH D030342.

Allele frequency attached by ClinVar (database versions not stated): gnomAD exomes 0.00005; TOPMed 0.00006; gnomAD 0.00011; ExAC 0.00013; 1000 Genomes Project 30x 0.00047; 1000 Genomes Project 0.00060.
gnomAD v4.1: 90 of 1,608,812 alleles (0.0056%); highest among the groups gnomAD compares: South Asian, 0.023%; 1 homozygote.

Submissions (3):

CeGaT Center for Human Genetics Tuebingen
Classification: Likely benign. Last evaluated: 2026-07-01. Review status: criteria provided, single submitter. Criteria: CeGaT Center For Human Genetics Tuebingen Variant Classification Criteria Version 2. Collection method: clinical testing. Allele origin: germline. Affected: yes. Observed: 1 variant allele.
Comment: WDR4: BP4

Labcorp Genetics (formerly Invitae), Labcorp
Classification: Uncertain significance. Last evaluated: 2025-10-21. Review status: criteria provided, single submitter. Criteria: Invitae Variant Classification Sherloc (09022015). Collection method: clinical testing. Allele origin: germline.
Comment: This sequence change replaces arginine, which is basic and polar, with cysteine, which is neutral and slightly polar, at codon 158 of the WDR4 protein (p.Arg158Cys). This variant is present in population databases (rs540202480, gnomAD 0.07%). This variant has not been reported in the literature in individuals affected with WDR4-related conditions. ClinVar contains an entry for this variant (Variation ID: 2191417). Invitae Evidence Modeling of protein sequence and biophysical properties (such as structural, functional, and spatial information, amino acid conservation, physicochemical variation, residue mobility, and thermodynamic stability) indicates that this missense variant is not expected to disrupt WDR4 protein function with a negative predictive value of 80%. In summary, the available evidence is currently insufficient to determine the role of this variant in disease. Therefore, it has been classified as a Variant of Uncertain Significance.

Ambry Genetics
Classification: Likely benign for Inborn genetic diseases. Last evaluated: 2023-06-29. Review status: criteria provided, single submitter. Criteria: Ambry Variant Classification Scheme 2023. Collection method: clinical testing. Allele origin: germline.

NM_018669.6(WDR4):c.472C>T (p.Arg158Cys)

Gene: WDR4 (WDR4 tRNA N7-guanosine methyltransferase non-catalytic subunit; minus strand). Cytogenetic location: 21q22.3.
Variant type: single nucleotide variant.
Coding change: c.472C>T on transcript NM_018669.6 (MANE Select); coding-DNA position 472, C replaced by T.
Protein change: p.Arg158Cys; replaces arginine 158 with cysteine.
Molecular consequence: missense variant. On other transcripts: non-coding transcript variant (1).
Genome position (GRCh38, 1-based): chr21:42,862,376, G>A on the plus strand (C>T on the coding strand, the complement: WDR4 is on the minus strand). VCF-style: chr21-42862376-G-A. GRCh37 (hg19) VCF-style: chr21-44282486-G-A.
Other names: c.472C>T, p.Arg158Cys (NM_001260474.2, NM_033661.5); c.34C>T, p.Arg12Cys (NM_001260475.2, NM_001260476.2, NM_001260477.2 and 1 more transcripts); c.472C>T (NM_018669.4); short protein forms R12C, R158C.
Identifiers: ClinVar variation 2191417 (VCV002191417.7), dbSNP rs540202480, ClinGen allele CA10046085.